The following is an entry in ClinVar:

NM_020964.3(EPG5):c.1943+4A>G

Gene: EPG5 (ectopic P-granules 5 autophagy tethering factor; minus strand). Cytogenetic location: 18q21.1.
Variant type: single nucleotide variant.
Coding change: c.1943+4A>G on transcript NM_020964.3 (MANE Select); 4 bases into the intron after coding-DNA position 1943, A replaced by G.
Molecular consequence: intron variant.
Genome position (GRCh38, 1-based): chr18:45,943,157, T>C on the plus strand (A>G on the coding strand, the complement: EPG5 is on the minus strand). VCF-style: chr18-45943157-T-C. GRCh37 (hg19) VCF-style: chr18-43523123-T-C.
Identifiers: ClinVar variation 1466593 (VCV001466593.4), dbSNP rs368879665, ClinGen allele CA8949569.

ClinVar aggregate classification (germline): Uncertain significance (1 of 4 stars; one submission).

Conditions:
Vici syndrome (VICIS). Identifiers: Orphanet 1493, MedGen C1855772, MONDO:0009452, OMIM 242840.

Allele frequency attached by ClinVar (database versions not stated): gnomAD 0.00002; ExAC 0.00003; gnomAD exomes 0.00003; TOPMed 0.00003; ESP Exome Variant Server 0.00017.
gnomAD v4.1: 33 of 1,613,956 alleles (0.002%); highest among the groups gnomAD compares: Non-Finnish European, 0.0025%; 1 homozygote.

Submission:

Labcorp Genetics (formerly Invitae), Labcorp
Classification: Uncertain significance for Vici syndrome. Last evaluated: 2021-03-18. Review status: criteria provided, single submitter. Criteria: Invitae Variant Classification Sherloc (09022015). Collection method: clinical testing. Allele origin: germline.
Comment: This sequence change falls in intron 9 of the EPG5 gene. It does not directly change the encoded amino acid sequence of the EPG5 protein, but it affects a nucleotide within the consensus splice site of the intron. This variant is present in population databases (rs368879665, ExAC 0.006%). This variant has not been reported in the literature in individuals with EPG5-related conditions. Nucleotide substitutions within the consensus splice site are a relatively common cause of aberrant splicing (PMID: 17576681, 9536098). Algorithms developed to predict the effect of sequence changes on RNA splicing suggest that this variant may disrupt the consensus splice site, but this prediction has not been confirmed by published transcriptional studies. In summary, the available evidence is currently insufficient to determine the role of this variant in disease. Therefore, it has been classified as a Variant of Uncertain Significance.

Literature cited by the submitters: PubMed 17576681; PubMed 9536098.